The following is an entry in ClinVar:

NM_000170.3(GLDC):c.2919+1G>A

Gene: GLDC (glycine decarboxylase; minus strand). Cytogenetic location: 9p24.1.
Variant type: single nucleotide variant.
Coding change: c.2919+1G>A on transcript NM_000170.3 (MANE Select); the canonical splice donor site of the intron after coding-DNA position 2919, G replaced by A.
Molecular consequence: splice donor variant.
Genome position (GRCh38, 1-based): chr9:6,534,707, C>T on the plus strand (G>A on the coding strand, the complement: GLDC is on the minus strand). VCF-style: chr9-6534707-C-T. GRCh37 (hg19) VCF-style: chr9-6534707-C-T.
Identifiers: ClinVar variation 56093 (VCV000056093.15), dbSNP rs386833575, ClinGen allele CA263410.

ClinVar aggregate classification (germline): Pathogenic. Review status: criteria provided, multiple submitters, no conflicts (2 of 4 stars). 5 submissions from 5 submitters: Pathogenic (3). 2 of the submissions do not count toward it. Last evaluated 2025-04-11.

Conditions:
Glycine encephalopathy 1 (GCE1). Identifiers: MedGen CN376801, MONDO:0958179, OMIM 605899.
Glycine encephalopathy. Also called: Nonketotic hyperglycinemia; Non-ketotic hyperglycinemia. Identifiers: Orphanet 407, MedGen C0751748, MONDO:0011612, HP:0008288.

Allele frequency attached by ClinVar (database versions not stated): gnomAD 0.00001; ExAC 0.00002; gnomAD exomes 0.00002.
gnomAD v4.1: 8 of 1,547,494 alleles (0.00052%); highest among the groups gnomAD compares: African/African-American, 0.0027%; no homozygotes.

Submissions (5):

Labcorp Genetics (formerly Invitae), Labcorp
Classification: Pathogenic for Glycine encephalopathy. Last evaluated: 2025-04-11. Review status: criteria provided, single submitter. Criteria: Invitae Variant Classification Sherloc (09022015). Collection method: clinical testing. Allele origin: germline.
Comment: This sequence change affects a donor splice site in intron 24 of the GLDC gene. While this variant is not anticipated to result in nonsense mediated decay, it likely alters RNA splicing and results in a disrupted protein product. This variant is present in population databases (rs386833575, gnomAD 0.004%). Disruption of this splice site has been observed in individual(s) with glycine encephalopathy (PMID: 16601880, 27362913). In at least one individual the data is consistent with being in trans (on the opposite chromosome) from a pathogenic variant. ClinVar contains an entry for this variant (Variation ID: 56093). Variants that disrupt the consensus splice site are a relatively common cause of aberrant splicing (PMID: 17576681, 9536098). Algorithms developed to predict the effect of sequence changes on RNA splicing suggest that this variant may disrupt the consensus splice site. For these reasons, this variant has been classified as Pathogenic.

Women's Health and Genetics/Laboratory Corporation of America, LabCorp
Classification: Pathogenic for Glycine encephalopathy. Last evaluated: 2024-12-10. Review status: criteria provided, single submitter. Criteria: LabCorp Variant Classification Summary - May 2015. Collection method: clinical testing. Allele origin: germline.
Comment: Variant summary: GLDC c.2919+1G>A is located in a canonical splice-site within the last intron and is predicted to affect mRNA splicing resulting in a significantly altered protein due to either exon skipping, shortening, or inclusion of intronic material. Variants that disrupt the consensus splice site are a relatively common cause of aberrant splicing and loss of GLDC function. Several computational tools predict a significant impact on normal splicing: Four predict the variant abolishes a 5' splicing donor site. The variant allele was found at a frequency of 1.6e-05 in 250480 control chromosomes. c.2919+1G>A has been reported in the literature as a biallelic genotype in multiple individuals affected with Glycine Encephalopathy (Non-Ketotic Hyperglycinemia)(e.g. Coughlin_2017). These data indicate that the variant is very likely to be associated with disease. The following publication has been ascertained in the context of this evaluation (PMID: 27362913). ClinVar contains an entry for this variant (Variation ID: 56093). Based on the evidence outlined above, the variant was classified as pathogenic.

Natera, Inc.
Classification: Pathogenic for Non-ketotic hyperglycinemia. Last evaluated: 2024-09-20. Review status: criteria provided, single submitter. Criteria: Natera Variant Classification Schema (03/2026). Collection method: clinical testing. Allele origin: germline.
Comment: The c.2919+1G>A variant in GLDC is a canonical splice donor site variant predicted to affect pre-mRNA splicing, which may result in an abnormal transcript and altered protein product. This variant is expected to result in nonsense mediated decay, truncation, or a dysfunctional protein product. This variant is rare in the general population with a frequency below the threshold expected for the associated phenotype(s). This variant has been observed in one or more individuals affected with the associated recessive disease, as either homozygous or compound heterozygous with a second variant (PMID: 26179960, 27362913). Another variant at this same site results in an alteration predicted to cause a similar molecular effect has been observed in individual(s) with the associated phenotype. Given the available evidence, this variant is classified as Pathogenic.

Counsyl
Classification: Pathogenic for Glycine encephalopathy 1. Last evaluated: 2017-08-16. Review status: no assertion criteria provided. Collection method: clinical testing. Allele origin: unknown. Not counted in ClinVar's aggregate classification.

Juha Muilu Group; Institute for Molecular Medicine Finland (FIMM)
Classification: Likely pathogenic for Non-ketotic hyperglycinemia. Review status: no assertion criteria provided. Collection method: not provided. Allele origin: unknown. Not counted in ClinVar's aggregate classification.
Comment: FinDis database variant: This variant was not found or characterized by our laboratory, data were collected from public sources: see reference
ClinVar note: Converted during submission from probable-pathogenic to Likely pathogenic.

Literature cited by the submitters: PubMed 16601880 (cited by Labcorp Genetics (formerly Invitae), Labcorp and Counsyl); PubMed 27362913 (cited by 3 submitters); PubMed 17576681 (cited by Labcorp Genetics (formerly Invitae), Labcorp); PubMed 9536098 (cited by Labcorp Genetics (formerly Invitae), Labcorp); PubMed 26179960 (cited by Natera, Inc.).